The following is an entry in ClinVar:

NM_001143986.2(TLE6):c.1574T>C (p.Leu525Pro)

Gene: TLE6 (TLE family member 6, subcortical maternal complex member; plus strand). Cytogenetic location: 19p13.3.
Variant type: single nucleotide variant.
Coding change: c.1574T>C on transcript NM_001143986.2 (MANE Select); coding-DNA position 1574, T replaced by C.
Protein change: p.Leu525Pro; replaces leucine 525 with proline.
Molecular consequence: missense variant.
Genome position (GRCh38, 1-based): chr19:2,994,055, T>C. VCF-style: chr19-2994055-T-C. GRCh37 (hg19) VCF-style: chr19-2994053-T-C.
Other names: c.1205T>C, p.Leu402Pro (NM_024760.3); short protein forms L402P, L525P.
Identifiers: ClinVar variation 3389848 (VCV003389848.14).

ClinVar aggregate classification (germline): Uncertain significance (1 of 4 stars; one submission).

Submission:

CeGaT Center for Human Genetics Tuebingen
Classification: Uncertain significance. Last evaluated: 2024-10-01. Review status: criteria provided, single submitter. Criteria: CeGaT Center For Human Genetics Tuebingen Variant Classification Criteria Version 2. Collection method: clinical testing. Allele origin: germline. Affected: yes. Observed: 1 variant allele.
Comment: TLE6: PM2, BP4